The following is an entry in ClinVar:

ClinVar aggregate classification (germline): Likely benign (0 of 4 stars; one submission).

Conditions:
CTDSP2-related disorder. Also called: CTDSP2-related condition.

Allele frequency attached by ClinVar (database versions not stated): ExAC 0.00001.

Submission:

PreventionGenetics, part of Exact Sciences
Classification: Likely benign for CTDSP2-related condition. Last evaluated: 2020-11-06. Review status: no assertion criteria provided. Collection method: clinical testing. Allele origin: germline.
Comment: This variant is classified as likely benign based on ACMG/AMP sequence variant interpretation guidelines (Richards et al. 2015 PMID: 25741868, with internal and published modifications).

NM_005730.4(CTDSP2):c.747C>A (p.Ile249=)

Gene: CTDSP2 (CTD small phosphatase 2; minus strand). Cytogenetic location: 12q14.1.
Variant type: single nucleotide variant.
Coding change: c.747C>A on transcript NM_005730.4 (MANE Select); coding-DNA position 747, C replaced by A.
Protein change: p.Ile249=; no amino-acid change (isoleucine 249 retained).
Molecular consequence: synonymous variant.
Genome position (GRCh38, 1-based): chr12:57,823,671, G>T on the plus strand (C>A on the coding strand, the complement: CTDSP2 is on the minus strand). VCF-style: chr12-57823671-G-T. GRCh37 (hg19) VCF-style: chr12-58217454-G-T.
Identifiers: ClinVar variation 3051125 (VCV003051125.2), dbSNP rs752232234, ClinGen allele CA6660382.